The following is an entry in ClinVar:

ClinVar aggregate classification (germline): Uncertain significance (1 of 4 stars; one submission).

Conditions:
Cardiovascular phenotype. Identifiers: MedGen CN230736.

gnomAD v4.1: 1 of 1,611,198 alleles (0.000062%); highest among the groups gnomAD compares: Non-Finnish European, 0.000085%; no homozygotes.

Submission:

Ambry Genetics
Classification: Uncertain significance for Cardiovascular phenotype. Last evaluated: 2026-04-26. Review status: criteria provided, single submitter. Criteria: Ambry Variant Classification Scheme 2023. Collection method: clinical testing. Allele origin: germline.
Comment: The p.D246Y variant (also known as c.736G>T), located in coding exon 6 of the ENG gene, results from a G to T substitution at nucleotide position 736. The aspartic acid at codon 246 is replaced by tyrosine, an amino acid with highly dissimilar properties. This amino acid position is conserved. In addition, this alteration is predicted to be tolerated by in silico analysis. Based on the available evidence, the clinical significance of this variant remains unclear.

NM_001114753.3(ENG):c.736G>T (p.Asp246Tyr)

Gene: ENG (endoglin; minus strand). Cytogenetic location: 9q34.11.
Variant type: single nucleotide variant.
Coding change: c.736G>T on transcript NM_001114753.3 (MANE Select); coding-DNA position 736, G replaced by T.
Protein change: p.Asp246Tyr; replaces aspartic acid 246 with tyrosine.
Molecular consequence: missense variant.
Genome position (GRCh38, 1-based): chr9:127,825,311, C>A on the plus strand (G>T on the coding strand, the complement: ENG is on the minus strand). VCF-style: chr9-127825311-C-A. GRCh37 (hg19) VCF-style: chr9-130587590-C-A.
Other names: c.736G>T, p.Asp246Tyr (NM_000118.4, NM_001406715.1); c.190G>T, p.Asp64Tyr (NM_001278138.2); short protein forms D246Y, D64Y.
Identifiers: ClinVar variation 4870400 (VCV004870400.1).